The following is an entry in ClinVar:

ClinVar aggregate classification (germline): Uncertain significance (1 of 4 stars; one submission).

Conditions:
Myopathy, centronuclear, 2 (CNM2). Also called: MYOTUBULAR MYOPATHY, AUTOSOMAL RECESSIVE. Identifiers: Orphanet 169186, MedGen CN031787, MONDO:0009709, OMIM 255200.

gnomAD v4.1: 6 of 1,551,624 alleles (0.00039%); highest among the groups gnomAD compares: Non-Finnish European, 0.00052%; no homozygotes.

Submission:

Labcorp Genetics (formerly Invitae), Labcorp
Classification: Uncertain significance for Myopathy, centronuclear, 2. Last evaluated: 2025-11-18. Review status: criteria provided, single submitter. Criteria: Invitae Variant Classification Sherloc (09022015). Collection method: clinical testing. Allele origin: germline.
Comment: This sequence change affects codon 399 of the BIN1 mRNA. It is a 'silent' change, meaning that it does not change the encoded amino acid sequence of the BIN1 protein. This variant is present in population databases (no rsID available, gnomAD 0.003%). This variant has not been reported in the literature in individuals affected with BIN1-related conditions. Algorithms developed to predict the effect of sequence changes on RNA splicing suggest that this variant may disrupt the consensus splice site. In summary, the available evidence is currently insufficient to determine the role of this variant in disease. Therefore, it has been classified as a Variant of Uncertain Significance.

NM_139343.3(BIN1):c.1197G>C (p.Pro399=)

Gene: BIN1 (bridging integrator 1; minus strand). Cytogenetic location: 2q14.3.
Variant type: single nucleotide variant.
Coding change: c.1197G>C on transcript NM_139343.3 (MANE Select); coding-DNA position 1197, G replaced by C.
Protein change: p.Pro399=; no amino-acid change (proline 399 retained).
Molecular consequence: synonymous variant. On other transcripts: intron variant (12).
Genome position (GRCh38, 1-based): chr2:127,053,947, C>G on the plus strand (G>C on the coding strand, the complement: BIN1 is on the minus strand). VCF-style: chr2-127053947-C-G. GRCh37 (hg19) VCF-style: chr2-127811523-C-G.
Other names: c.1104G>C, p.Pro368= (NM_001320641.2); c.1116G>C, p.Pro372= (NM_001320642.1); c.1068G>C, p.Pro356= (NM_139344.3); c.838-3035G>C (NM_001320634.1); c.910-3035G>C (NM_139351.3); c.910-2704G>C (NM_139350.3); c.910-1585G>C (NM_139349.3); c.1039-2704G>C (NM_139348.3); and 7 more.
Identifiers: ClinVar variation 4751035 (VCV004751035.1).